The following is an entry in ClinVar:

ClinVar aggregate classification (germline): Uncertain significance (1 of 4 stars; one submission).

gnomAD v4.1: 31 of 1,614,080 alleles (0.0019%); highest among the groups gnomAD compares: Middle Eastern, 0.082%; no homozygotes.

Submission:

Labcorp Genetics (formerly Invitae), Labcorp
Classification: Uncertain significance. Last evaluated: 2024-11-05. Review status: criteria provided, single submitter. Criteria: Invitae Variant Classification Sherloc (09022015). Collection method: clinical testing. Allele origin: germline.
Comment: This sequence change replaces proline, which is neutral and non-polar, with leucine, which is neutral and non-polar, at codon 1238 of the LAMB1 protein (p.Pro1238Leu). This variant is present in population databases (rs372009526, gnomAD 0.01%). This variant has not been reported in the literature in individuals affected with LAMB1-related conditions. An algorithm developed to predict the effect of missense changes on protein structure and function (PolyPhen-2) suggests that this variant is likely to be tolerated. In summary, the available evidence is currently insufficient to determine the role of this variant in disease. Therefore, it has been classified as a Variant of Uncertain Significance.

NM_002291.3(LAMB1):c.3713C>T (p.Pro1238Leu)

Gene: LAMB1 (laminin subunit beta 1; minus strand). Cytogenetic location: 7q31.1.
Variant type: single nucleotide variant.
Coding change: c.3713C>T on transcript NM_002291.3 (MANE Select); coding-DNA position 3713, C replaced by T.
Protein change: p.Pro1238Leu; replaces proline 1238 with leucine.
Molecular consequence: missense variant.
Genome position (GRCh38, 1-based): chr7:107,940,037, G>A on the plus strand (C>T on the coding strand, the complement: LAMB1 is on the minus strand). VCF-style: chr7-107940037-G-A. GRCh37 (hg19) VCF-style: chr7-107580482-G-A.
Other names: short protein forms P1238L.
Identifiers: ClinVar variation 3628148 (VCV003628148.2).
Genomic context (GRCh38, chr7:107,940,037, plus strand): 5'-TTAACTACTTACTCTGCTTCCTCAAAGAGATTCCCAATGTTTTTCAGTGGCTCTGCTGCG[G>A]GGCTCTGCGCCAGGATGTCTTTTATCTCGCTGACTTTCCTCTCCACCGAGTCCACAGTCT-3'
Protein context (NP_002282.2, residues 1228-1248): SEIKDILAQS[Pro1238Leu]AAEPLKNIGN